The following is an entry in ClinVar:

ClinVar aggregate classification (germline): Uncertain significance (1 of 4 stars; one submission).

Conditions:
Gorlin syndrome. Also called: Nevoid Basal Cell Carcinoma Syndrome; Basal cell nevus syndrome. Identifiers: Orphanet 377, MedGen C0004779, MONDO:0007187.

gnomAD v4.1: 26 of 1,614,086 alleles (0.0016%); highest among the groups gnomAD compares: African/African-American, 0.008%; no homozygotes.

Submission:

Labcorp Genetics (formerly Invitae), Labcorp
Classification: Uncertain significance for Gorlin syndrome. Last evaluated: 2025-09-27. Review status: criteria provided, single submitter. Criteria: Invitae Variant Classification Sherloc (09022015). Collection method: clinical testing. Allele origin: germline.
Comment: This sequence change replaces arginine, which is basic and polar, with tryptophan, which is neutral and slightly polar, at codon 556 of the PTCH2 protein (p.Arg556Trp). This variant is present in population databases (rs763426183, gnomAD 0.01%). This variant has not been reported in the literature in individuals affected with PTCH2-related conditions. Invitae Evidence Modeling of protein sequence and biophysical properties (such as structural, functional, and spatial information, amino acid conservation, physicochemical variation, residue mobility, and thermodynamic stability) indicates that this missense variant is expected to disrupt PTCH2 protein function with a positive predictive value of 80%. In summary, the available evidence is currently insufficient to determine the role of this variant in disease. Therefore, it has been classified as a Variant of Uncertain Significance.

NM_003738.5(PTCH2):c.1666C>T (p.Arg556Trp)

Gene: PTCH2 (patched 2; minus strand). Cytogenetic location: 1p34.1.
Variant type: single nucleotide variant.
Coding change: c.1666C>T on transcript NM_003738.5 (MANE Select); coding-DNA position 1666, C replaced by T.
Protein change: p.Arg556Trp; replaces arginine 556 with tryptophan.
Molecular consequence: missense variant.
Genome position (GRCh38, 1-based): chr1:44,828,339, G>A on the plus strand (C>T on the coding strand, the complement: PTCH2 is on the minus strand). VCF-style: chr1-44828339-G-A. GRCh37 (hg19) VCF-style: chr1-45294011-G-A.
Other names: c.1666C>T, p.Arg556Trp (NM_001166292.2); short protein forms R556W.
Identifiers: ClinVar variation 4703996 (VCV004703996.1).